The following is an entry in ClinVar:

ClinVar aggregate classification (germline): Likely pathogenic (1 of 4 stars; one submission).

Conditions:
Hereditary cancer-predisposing syndrome. Also called: Tumor predisposition; Hereditary neoplastic syndrome; Hereditary Cancer Syndrome; Neoplastic Syndromes, Hereditary. Identifiers: Orphanet 140162, MedGen C0027672, MeSH D009386, MONDO:0015356.

Submission:

Ambry Genetics
Classification: Likely pathogenic for Hereditary cancer-predisposing syndrome. Last evaluated: 2025-05-30. Review status: criteria provided, single submitter. Criteria: Ambry Variant Classification Scheme 2023. Collection method: clinical testing. Allele origin: germline.
Comment: The p.C630S variant (also known as c.1889G>C), located in coding exon 11 of the RET gene, results from a G to C substitution at nucleotide position 1889. The cysteine at codon 630 is replaced by serine, an amino acid with dissimilar properties. This variant was reported in individual(s) with medullary thyroid cancer (Kitamura Y et al. Oncogene, 1997 Jun;14:3103-6; Egawa S et al. Jpn J Clin Oncol, 1998 Oct;28:590-6; Ambry internal data). This variant is considered to be rare based on population cohorts in the Genome Aggregation Database (gnomAD). This amino acid position is highly conserved in available vertebrate species. In addition, this alteration is predicted to be deleterious by in silico analysis. Based on the supporting evidence, this alteration is likely pathogenic for MEN2; however, the association of this alteration with Hirschsprung disease is unknown.

Literature cited by the submitters: PubMed 9223675; PubMed 9839497.

NM_020975.6(RET):c.1889G>C (p.Cys630Ser)

Gene: RET (ret proto-oncogene; plus strand). Cytogenetic location: 10q11.21.
Variant type: single nucleotide variant.
Coding change: c.1889G>C on transcript NM_020975.6 (MANE Select); coding-DNA position 1889, G replaced by C.
Protein change: p.Cys630Ser; replaces cysteine 630 with serine.
Molecular consequence: missense variant.
Genome position (GRCh38, 1-based): chr10:43,114,489, G>C. VCF-style: chr10-43114489-G-C. GRCh37 (hg19) VCF-style: chr10-43609937-G-C.
Other names: c.1889G>C, p.Cys630Ser (NM_000323.2, NM_001406743.1, NM_001406744.1 and 4 more transcripts); c.1127G>C, p.Cys376Ser (NM_001355216.2); c.1760G>C, p.Cys587Ser (NM_001406761.1, NM_001406762.1, NM_001406764.1); c.1601G>C, p.Cys534Ser (NM_001406766.1, NM_001406767.1, NM_001406770.1); c.1493G>C, p.Cys498Ser (NM_001406769.1, NM_001406772.1); c.1451G>C, p.Cys484Ser (NM_001406771.1, NM_001406773.1); c.1364G>C, p.Cys455Ser (NM_001406774.1); c.872G>C, p.Cys291Ser (NM_001406785.1); and 7 more; short protein forms C376S, C498S, C534S, C587S, C300S, C388S, C455S, C195S.
Identifiers: ClinVar variation 3944672 (VCV003944672.1), dbSNP rs377767405.
Genomic context (GRCh38, chr10:43,114,489, plus strand): 5'-GTGGTGCCGAGCCTCTGGCGGTGCCAAGCCTCACACCACCCCCACCCACAGATCCACTGT[G>C]CGACGAGCTGTGCCGCACGGTGATCGCAGCCGCTGTCCTCTTCTCCTTCATCGTCTCGGT-3'
Protein context (NP_066124.1, residues 620-640): CEPEDIQDPL[Cys630Ser]DELCRTVIAA